The following is an entry in ClinVar:

ClinVar aggregate classification (germline): Uncertain significance (1 of 4 stars; one submission).

Conditions:
Inborn genetic diseases. Identifiers: MedGen C0950123, MeSH D030342.

gnomAD v4.1: 8 of 1,614,090 alleles (0.0005%); highest among the groups gnomAD compares: Non-Finnish European, 0.00059%; no homozygotes.

Submission:

Ambry Genetics
Classification: Uncertain significance for Inborn genetic diseases. Last evaluated: 2025-02-05. Review status: criteria provided, single submitter. Criteria: Ambry Variant Classification Scheme 2023. Collection method: clinical testing. Allele origin: germline.
Comment: The p.H1825N variant (also known as c.5473C>A), located in coding exon 21 of the FANCM gene, results from a C to A substitution at nucleotide position 5473. The histidine at codon 1825 is replaced by asparagine, an amino acid with similar properties. This amino acid position is conserved. In addition, this alteration is predicted to be tolerated by in silico analysis. Based on the available evidence, the clinical significance of this variant remains unclear.

NM_020937.4(FANCM):c.5473C>A (p.His1825Asn)

Gene: FANCM (FA complementation group M; plus strand). Cytogenetic location: 14q21.2.
Variant type: single nucleotide variant.
Coding change: c.5473C>A on transcript NM_020937.4 (MANE Select); coding-DNA position 5473, C replaced by A.
Protein change: p.His1825Asn; replaces histidine 1825 with asparagine.
Molecular consequence: missense variant.
Genome position (GRCh38, 1-based): chr14:45,196,304, C>A. VCF-style: chr14-45196304-C-A. GRCh37 (hg19) VCF-style: chr14-45665507-C-A.
Other names: c.5395C>A, p.His1799Asn (NM_001308133.2); short protein forms H1799N, H1825N.
Identifiers: ClinVar variation 3848701 (VCV003848701.1).